The following is an entry in ClinVar:

ClinVar aggregate classification (germline): Benign/Likely benign. Review status: criteria provided, multiple submitters, no conflicts (2 of 4 stars). 5 submissions from 5 submitters: Benign (1); Likely benign (4). Last evaluated 2026-05-27.

Conditions:
FLNC-related disorder. Also called: FLNC-related disorders; FLNC-related condition.
Myofibrillar myopathy 5. Also called: Filaminopathy (type); FILAMINOPATHY, AUTOSOMAL DOMINANT. Identifiers: Orphanet 171445, MedGen C1836050, MONDO:0012289, OMIM 609524.
Distal myopathy with posterior leg and anterior hand involvement. Also called: WILLIAMS DISTAL MYOPATHY. Identifiers: Orphanet 63273, MedGen C3279722, MONDO:0013550, OMIM 614065.
Hypertrophic cardiomyopathy 26. Also called: Cardiomyopathy, familial hypertrophic, 26. Identifiers: Orphanet 75249, MedGen C4310749, MONDO:0014883, OMIM 617047.

Allele frequency attached by ClinVar (database versions not stated): TOPMed 0.00003; gnomAD exomes 0.00004 and 0.00006; ExAC 0.00006.
gnomAD v4.1: 60 of 1,604,760 alleles (0.0037%); highest among the groups gnomAD compares: Non-Finnish European, 0.0026%; no homozygotes.

Submissions (5):

PreventionGenetics, part of Exact Sciences
Classification: Likely benign for FLNC-related condition. Last evaluated: 2026-05-27. Review status: criteria provided, single submitter. Criteria: ACMG Guidelines, 2015. Collection method: clinical testing. Allele origin: germline.
Comment: This variant is classified as likely benign based on ACMG/AMP sequence variant interpretation guidelines (Richards et al. 2015 PMID: 25741868, with internal and published modifications).

Labcorp Genetics (formerly Invitae), Labcorp
Classification: Likely benign for Distal myopathy with posterior leg and anterior hand involvement; Myofibrillar myopathy 5; Hypertrophic cardiomyopathy 26. Last evaluated: 2026-01-05. Review status: criteria provided, single submitter. Criteria: Invitae Variant Classification Sherloc (09022015). Collection method: clinical testing. Allele origin: germline.

Women's Health and Genetics/Laboratory Corporation of America, LabCorp
Classification: Benign. Last evaluated: 2025-04-14. Review status: criteria provided, single submitter. Criteria: LabCorp Variant Classification Summary - May 2015. Collection method: clinical testing. Allele origin: germline.

Molecular Diagnostic Laboratory for Inherited Cardiovascular Disease, Montreal Heart Institute
Classification: Likely benign. Last evaluated: 2025-04-09. Review status: criteria provided, single submitter. Criteria: ACMG Guidelines, 2015. Collection method: clinical testing. Allele origin: germline. Affected: no.

GeneDx
Classification: Likely benign. Last evaluated: 2020-02-19. Review status: criteria provided, single submitter. Criteria: GeneDx Variant Classification Process June 2021. Collection method: clinical testing. Allele origin: germline. Affected: yes.

NM_001458.5(FLNC):c.5398+6G>C

Genes: FLNC (filamin C; plus strand), FLNC-AS1 (FLNC antisense RNA 1; minus strand). Cytogenetic location: 7q32.1.
Variant type: single nucleotide variant.
Coding change: c.5398+6G>C on transcript NM_001458.5 (MANE Select); 6 bases into the intron after coding-DNA position 5398, G replaced by C.
Molecular consequence: intron variant.
Genome position (GRCh38, 1-based): chr7:128,850,489, G>C. VCF-style: chr7-128850489-G-C. GRCh37 (hg19) VCF-style: chr7-128490543-G-C.
Other names: c.5299+6G>C (NM_001127487.2).
Identifiers: ClinVar variation 701959 (VCV000701959.28), dbSNP rs746415033, ClinGen allele CA4475672.